The following is an entry in ClinVar:

NM_003073.5(SMARCB1):c.157C>T (p.Arg53Ter)

Gene: SMARCB1 (SWI/SNF related BAF chromatin remodeling complex subunit B1; plus strand). Cytogenetic location: 22q11.23.
Variant type: single nucleotide variant.
Coding change: c.157C>T on transcript NM_003073.5 (MANE Select); coding-DNA position 157, C replaced by T.
Protein change: p.Arg53Ter; replaces arginine 53 with a stop codon.
Molecular consequence: nonsense.
Genome position (GRCh38, 1-based): chr22:23,791,819, C>T. VCF-style: chr22-23791819-C-T. GRCh37 (hg19) VCF-style: chr22-24134006-C-T.
Other names: c.157C>T, p.Arg53Ter (NM_001007468.3, NM_001317946.2, NM_001362877.2); short protein forms R53*.
Identifiers: ClinVar variation 944246 (VCV000944246.13), dbSNP rs1928400256, ClinGen allele CA410932750.

ClinVar aggregate classification (germline): Pathogenic. Review status: criteria provided, multiple submitters, no conflicts (2 of 4 stars). 4 submissions from 4 submitters: Pathogenic (4). Last evaluated 2025-08-29.

Conditions:
Hereditary cancer-predisposing syndrome. Also called: Hereditary neoplastic syndrome; Hereditary Cancer Syndrome; Neoplastic Syndromes, Hereditary; Tumor predisposition. Identifiers: Orphanet 140162, MedGen C0027672, MeSH D009386, MONDO:0015356.
SMARCB1-related disorder. Also called: SMARCB1-related disorders; SMARCB1-related condition.

Allele frequency attached by ClinVar (database versions not stated): gnomAD exomes below 0.00001.
gnomAD v4.1: 2 of 1,613,276 alleles (0.00012%); highest among the groups gnomAD compares: Non-Finnish European, 0.00017%; no homozygotes.

Submissions (4):

Labcorp Genetics (formerly Invitae), Labcorp
Classification: Pathogenic. Last evaluated: 2025-08-29. Review status: criteria provided, single submitter. Criteria: Invitae Variant Classification Sherloc (09022015). Collection method: clinical testing. Allele origin: germline.
Comment: This sequence change creates a premature translational stop signal (p.Arg53*) in the SMARCB1 gene. It is expected to result in an absent or disrupted protein product. Loss-of-function variants in SMARCB1 are known to be pathogenic (PMID: 10521299, 21208904). This variant is not present in population databases (gnomAD no frequency). This premature translational stop signal has been observed in individual(s) with atypical/teratoid rhabdoid tumors (PMID: 12892231, 21208904). ClinVar contains an entry for this variant (Variation ID: 944246). For these reasons, this variant has been classified as Pathogenic.

GeneDx
Classification: Pathogenic. Last evaluated: 2025-05-20. Review status: criteria provided, single submitter. Criteria: GeneDx Variant Classification Process June 2021. Collection method: clinical testing. Allele origin: germline. Affected: yes.
Comment: Nonsense variant predicted to result in protein truncation or nonsense mediated decay in a gene for which loss of function is a known mechanism of disease; Not observed at significant frequency in large population cohorts (gnomAD); This variant is associated with the following publications: (PMID: 12892231, 32218533)

Ambry Genetics
Classification: Pathogenic for Hereditary cancer-predisposing syndrome. Last evaluated: 2023-03-07. Review status: criteria provided, single submitter. Criteria: Ambry Variant Classification Scheme 2023. Collection method: clinical testing. Allele origin: germline.
Comment: The p.R53* pathogenic mutation (also known as c.157C>T), located in coding exon 2 of the SMARCB1 gene, results from a C to T substitution at nucleotide position 157. This changes the amino acid from an arginine to a stop codon within coding exon 2. This alteration is expected to result in loss of function by premature protein truncation or nonsense-mediated mRNA decay. Loss-of-function variants in SMARCB1 are known to cause rhabdoid tumor predisposition syndrome; however, such associations with neurodevelopmental disorders are exceedingly rare (Kosho T et al. Am J Med Genet C Semin Med Genet. 2014 Sep;166C(3):262-75; Eaton KW et al. Pediatr Blood Cancer. 2011 Jan;56(1):7-15). Based on the supporting evidence, this alteration is pathogenic for SMARCB1-related schwannomatosis; however, the association of this alteration with Coffin-Siris syndrome is unlikely.

Blueprint Genetics
Classification: Pathogenic for SMARCB1-related disorders. Last evaluated: 2019-04-12. Review status: criteria provided, single submitter. Criteria: ACMG Guidelines, 2015. Collection method: clinical testing. Allele origin: germline. Affected: yes. Observed: 1 variant allele.

Literature cited by the submitters: PubMed 10521299 (cited by Labcorp Genetics (formerly Invitae), Labcorp); PubMed 21208904 (cited by Labcorp Genetics (formerly Invitae), Labcorp); PubMed 12892231 (cited by Labcorp Genetics (formerly Invitae), Labcorp and Ambry Genetics); PubMed 32218533 (cited by Ambry Genetics).